The following is an entry in ClinVar:

NM_006009.4(TUBA1A):c.209T>C (p.Leu70Ser)

Gene: TUBA1A (tubulin alpha 1a; minus strand). Cytogenetic location: 12q13.12.
Variant type: single nucleotide variant.
Coding change: c.209T>C on transcript NM_006009.4 (MANE Select); coding-DNA position 209, T replaced by C.
Protein change: p.Leu70Ser; replaces leucine 70 with serine.
Molecular consequence: missense variant.
Genome position (GRCh38, 1-based): chr12:49,186,628, A>G on the plus strand (T>C on the coding strand, the complement: TUBA1A is on the minus strand). VCF-style: chr12-49186628-A-G. GRCh37 (hg19) VCF-style: chr12-49580411-A-G.
Other names: c.209T>C, p.Leu70Ser (NM_001270399.2); c.104T>C, p.Leu35Ser (NM_001270400.2); short protein forms L70S, L35S.
Identifiers: ClinVar variation 625475 (VCV000625475.2), dbSNP rs1565627684, ClinGen allele CA384644745.

ClinVar aggregate classification (germline): Pathogenic (1 of 4 stars; one submission).

Conditions:
Tubulinopathy. Also called: Tubulinopathies. Identifiers: MedGen CN850169, MONDO:0100153.

Submission:

Institute of Human Genetics, FAU Erlangen, Friedrich-Alexander-Universität Erlangen-Nürnberg
Classification: Pathogenic for Tubulinopathies. Last evaluated: 2018-07-01. Review status: criteria provided, single submitter. Criteria: ACMG Guidelines, 2015. Collection method: literature only. Allele origin: de novo. Affected: yes. Observed: 1 variant allele.
Comment: The c.209T>C, p.(Leu70Ser) variant has been reported as a variant of de novo origin. This variant and associated phenotype was previously reported by Cushion et al. Brain, 2013 PMID: 23361065. Polymicrogyria (HP:0002126); no Abnormality of brainstem morphology (-HP:0002363); Cerebellar hypoplasia (HP:0001321); Dilation of lateral ventricles (HP:0006956); no Congenital microcephaly (-HP:0011451); Microcephaly (HP:0000252); no Seizures (-HP:0001250); Optic nerve hypoplasia (HP:0000609)

Literature cited by the submitters: PubMed 30744660; DOI 10.1101/427948.